The following is an entry in ClinVar:

ClinVar aggregate classification (germline): Uncertain significance (1 of 4 stars; one submission).

Conditions:
Hereditary cancer-predisposing syndrome. Also called: Neoplastic Syndromes, Hereditary; Tumor predisposition; Hereditary neoplastic syndrome; Hereditary Cancer Syndrome. Identifiers: Orphanet 140162, MedGen C0027672, MeSH D009386, MONDO:0015356.

Submission:

Ambry Genetics
Classification: Uncertain significance for Hereditary cancer-predisposing syndrome. Last evaluated: 2026-07-07. Review status: criteria provided, single submitter. Criteria: Ambry Variant Classification Scheme 2023. Collection method: clinical testing. Allele origin: germline.
Comment: The p.E242D variant (also known as c.726G>C), located in coding exon 6 of the SUFU gene, results from a G to C substitution at nucleotide position 726. The glutamic acid at codon 242 is replaced by aspartic acid, an amino acid with highly similar properties. This amino acid position is conserved. In addition, the in silico prediction for this alteration is inconclusive. Based on the available evidence, the clinical significance of this variant remains unclear.

NM_016169.4(SUFU):c.726G>C (p.Glu242Asp)

Gene: SUFU (SUFU negative regulator of hedgehog signaling; plus strand). Cytogenetic location: 10q24.32.
Variant type: single nucleotide variant.
Coding change: c.726G>C on transcript NM_016169.4 (MANE Select); coding-DNA position 726, G replaced by C.
Protein change: p.Glu242Asp; replaces glutamic acid 242 with aspartic acid.
Molecular consequence: missense variant.
Genome position (GRCh38, 1-based): chr10:102,594,035, G>C. VCF-style: chr10-102594035-G-C. GRCh37 (hg19) VCF-style: chr10-104353792-G-C.
Other names: c.726G>C, p.Glu242Asp (NM_001178133.2); short protein forms E242D.
Identifiers: ClinVar variation 5030397 (VCV005030397.1).
Genomic context (GRCh38, chr10:102,594,035, plus strand): 5'-CCCTTTCCTTGTCCACAGTGCTGGCGGCCCCTGGCTGATAACTGACATGCGGAGGGGAGA[G>C]ACCATATTTGAGATCGATCCACACCTGCAAGTATGTCTTGAGTGAGGAAAACCTTTCTAG-3'
Protein context (NP_057253.2, residues 232-252): PWLITDMRRG[Glu242Asp]TIFEIDPHLQ